The following is an entry in ClinVar:

ClinVar aggregate classification (germline): Uncertain significance (1 of 4 stars; one submission).

Submission:

Labcorp Genetics (formerly Invitae), Labcorp
Classification: Uncertain significance. Last evaluated: 2024-10-01. Review status: criteria provided, single submitter. Criteria: Invitae Variant Classification Sherloc (09022015). Collection method: clinical testing. Allele origin: germline.
Comment: This sequence change replaces arginine, which is basic and polar, with lysine, which is basic and polar, at codon 123 of the MYLK3 protein (p.Arg123Lys). This variant is not present in population databases (gnomAD no frequency). This variant has not been reported in the literature in individuals affected with MYLK3-related conditions. An algorithm developed to predict the effect of missense changes on protein structure and function outputs the following: PolyPhen-2: "Benign". The lysine amino acid residue is found in multiple mammalian species, which suggests that this missense change does not adversely affect protein function. In summary, the available evidence is currently insufficient to determine the role of this variant in disease. Therefore, it has been classified as a Variant of Uncertain Significance.

NM_182493.3(MYLK3):c.368G>A (p.Arg123Lys)

Gene: MYLK3 (myosin light chain kinase 3; minus strand). Cytogenetic location: 16q11.2.
Variant type: single nucleotide variant.
Coding change: c.368G>A on transcript NM_182493.3 (MANE Select); coding-DNA position 368, G replaced by A.
Protein change: p.Arg123Lys; replaces arginine 123 with lysine.
Molecular consequence: missense variant. On other transcripts: intron variant (1).
Genome position (GRCh38, 1-based): chr16:46,747,826, C>T on the plus strand (G>A on the coding strand, the complement: MYLK3 is on the minus strand). VCF-style: chr16-46747826-C-T. GRCh37 (hg19) VCF-style: chr16-46781738-C-T.
Other names: c.-113-7679G>A (NM_001308301.1); short protein forms R123K.
Identifiers: ClinVar variation 3684734 (VCV003684734.2).